The following is an entry in ClinVar:

NM_001281740.3(FHOD3):c.1172A>G (p.Asn391Ser)

Gene: FHOD3 (formin homology 2 domain containing 3; plus strand). Cytogenetic location: 18q12.2.
Variant type: single nucleotide variant.
Coding change: c.1172A>G on transcript NM_001281740.3 (MANE Select); coding-DNA position 1172, A replaced by G.
Protein change: p.Asn391Ser; replaces asparagine 391 with serine.
Molecular consequence: missense variant.
Genome position (GRCh38, 1-based): chr18:36,625,725, A>G. VCF-style: chr18-36625725-A-G. GRCh37 (hg19) VCF-style: chr18-34205688-A-G.
Other names: c.1172A>G, p.Asn391Ser (NM_001281739.3, NM_025135.5); short protein forms N391S.
Identifiers: ClinVar variation 3053961 (VCV003053961.2), dbSNP rs757057948, ClinGen allele CA8941563.

ClinVar aggregate classification (germline): Uncertain significance (0 of 4 stars; one submission).

Conditions:
FHOD3-related disorder. Also called: FHOD3-related condition.

Allele frequency attached by ClinVar (database versions not stated): ExAC 0.00001; gnomAD 0.00001; gnomAD exomes 0.00001.
gnomAD v4.1: 13 of 1,609,440 alleles (0.00081%); highest among the groups gnomAD compares: South Asian, 0.011%; no homozygotes.

Submission:

PreventionGenetics, part of Exact Sciences
Classification: Uncertain significance for FHOD3-related condition. Last evaluated: 2024-02-01. Review status: no assertion criteria provided. Collection method: clinical testing. Allele origin: germline.
Comment: The FHOD3 c.1172A>G variant is predicted to result in the amino acid substitution p.Asn391Ser. To our knowledge, this variant has not been reported in the literature. This variant is reported in 0.0099% of alleles in individuals of South Asian descent in gnomAD. At this time, the clinical significance of this variant is uncertain due to the absence of conclusive functional and genetic evidence.